The following is an entry in ClinVar:

NM_004525.3(LRP2):c.6539A>C (p.Tyr2180Ser)

Gene: LRP2 (LDL receptor related protein 2; minus strand). Cytogenetic location: 2q31.1.
Variant type: single nucleotide variant.
Coding change: c.6539A>C on transcript NM_004525.3 (MANE Select); coding-DNA position 6539, A replaced by C.
Protein change: p.Tyr2180Ser; replaces tyrosine 2180 with serine.
Molecular consequence: missense variant.
Genome position (GRCh38, 1-based): chr2:169,207,181, T>G on the plus strand (A>C on the coding strand, the complement: LRP2 is on the minus strand). VCF-style: chr2-169207181-T-G. GRCh37 (hg19) VCF-style: chr2-170063691-T-G.
Other names: short protein forms Y2180S.
Identifiers: ClinVar variation 1384364 (VCV001384364.4), dbSNP rs2105334086, ClinGen allele CA349126848.

ClinVar aggregate classification (germline): Uncertain significance (1 of 4 stars; one submission).

Submission:

Labcorp Genetics (formerly Invitae), Labcorp
Classification: Uncertain significance. Last evaluated: 2022-11-22. Review status: criteria provided, single submitter. Criteria: Invitae Variant Classification Sherloc (09022015). Collection method: clinical testing. Allele origin: germline.
Comment: In summary, the available evidence is currently insufficient to determine the role of this variant in disease. Therefore, it has been classified as a Variant of Uncertain Significance. Advanced modeling of protein sequence and biophysical properties (such as structural, functional, and spatial information, amino acid conservation, physicochemical variation, residue mobility, and thermodynamic stability) performed at Invitae indicates that this missense variant is not expected to disrupt LRP2 protein function. ClinVar contains an entry for this variant (Variation ID: 1384364). This variant has not been reported in the literature in individuals affected with LRP2-related conditions. This variant is not present in population databases (gnomAD no frequency). This sequence change replaces tyrosine, which is neutral and polar, with serine, which is neutral and polar, at codon 2180 of the LRP2 protein (p.Tyr2180Ser).